The following is an entry in ClinVar:

ClinVar aggregate classification (germline): Pathogenic (1 of 4 stars; one submission).

Conditions:
Myofibrillar myopathy 6. Identifiers: Orphanet 199340, MedGen C2751831, MONDO:0013061, OMIM 612954.
Dilated cardiomyopathy 1HH (CMD1HH). Identifiers: Orphanet 154, MedGen C3151293, MONDO:0013479, OMIM 613881.

Submission:

Labcorp Genetics (formerly Invitae), Labcorp
Classification: Pathogenic for Dilated cardiomyopathy 1HH; Myofibrillar myopathy 6. Last evaluated: 2026-01-15. Review status: criteria provided, single submitter. Criteria: Invitae Variant Classification Sherloc (09022015). Collection method: clinical testing. Allele origin: germline.
Comment: This variant results in the deletion of part of exon 3 (c.820_909+355del) of the BAG3 gene. While this variant is not anticipated to result in nonsense mediated decay, it likely alters RNA splicing and results in a disrupted protein product. This variant is not present in population databases (gnomAD no frequency). This variant has not been reported in the literature in individuals affected with BAG3-related conditions. Variants that disrupt the consensus splice site are a relatively common cause of aberrant splicing (PMID: 17576681, 9536098). This variant disrupts a region of the BAG3 protein in which other variant(s) (p.Gln303*) have been determined to be pathogenic (internal data). This suggests that this is a clinically significant region of the protein, and that variants that disrupt it are likely to be disease-causing. For these reasons, this variant has been classified as Pathogenic.

Literature cited by the submitters: PubMed 17576681; PubMed 9536098.

NM_004281.4(BAG3):c.820_909+355del

Gene: BAG3 (BAG cochaperone 3; plus strand). Cytogenetic location: 10q26.11.
Variant type: Deletion.
Coding change: c.820_909+355del on transcript NM_004281.4 (MANE Select); coding-DNA position 820 through 355 bases into the intron after coding-DNA position 909, 445 bases deleted.
Molecular consequence: splice donor variant.
Genome position (GRCh38, 1-based): chr10:119,672,567-119,673,011, 445 bases deleted. GRCh37 (hg19): chr10:121,432,079-121,432,523.
Identifiers: ClinVar variation 4787281 (VCV004787281.1).